The following is an entry in ClinVar:

NM_015047.3(EMC1):c.1049A>G (p.Asp350Gly)

Genes: EMC1 (ER membrane protein complex subunit 1; minus strand), EMC1-AS1 (EMC1 antisense RNA 1; plus strand). Cytogenetic location: 1p36.13.
Variant type: single nucleotide variant.
Coding change: c.1049A>G on transcript NM_015047.3 (MANE Select); coding-DNA position 1049, A replaced by G.
Protein change: p.Asp350Gly; replaces aspartic acid 350 with glycine.
Molecular consequence: missense variant.
Genome position (GRCh38, 1-based): chr1:19,238,835, T>C on the plus strand (A>G on the coding strand, the complement: EMC1 is on the minus strand). VCF-style: chr1-19238835-T-C. GRCh37 (hg19) VCF-style: chr1-19565329-T-C.
Other names: c.1046A>G, p.Asp349Gly (NM_001271427.2, NM_001375821.1); c.1049A>G, p.Asp350Gly (NM_001271428.2, NM_001375820.1); c.983A>G, p.Asp328Gly (NM_001271429.2); c.1049A>G (NM_015047.2); short protein forms D349G, D328G, D350G.
Identifiers: ClinVar variation 2194220 (VCV002194220.5), dbSNP rs1283993580, ClinGen allele CA338767096.

ClinVar aggregate classification (germline): Uncertain significance. Review status: criteria provided, multiple submitters, no conflicts (2 of 4 stars). 2 submissions from 2 submitters: Uncertain significance (2). Last evaluated 2024-10-31.

Allele frequency attached by ClinVar (database versions not stated): gnomAD exomes below 0.00001; TOPMed 0.00001.
gnomAD v4.1: 2 of 1,611,150 alleles (0.00012%); highest among the groups gnomAD compares: Admixed American, 0.0017%; no homozygotes.

Submissions (2):

GeneDx
Classification: Uncertain significance. Last evaluated: 2024-10-31. Review status: criteria provided, single submitter. Criteria: GeneDx Variant Classification Process June 2021. Collection method: clinical testing. Allele origin: germline. Affected: yes.
Comment: Not observed at significant frequency in large population cohorts (gnomAD); In silico analysis indicates that this missense variant does not alter protein structure/function; Has not been previously published as pathogenic or benign to our knowledge

Labcorp Genetics (formerly Invitae), Labcorp
Classification: Uncertain significance. Last evaluated: 2023-09-11. Review status: criteria provided, single submitter. Criteria: Invitae Variant Classification Sherloc (09022015). Collection method: clinical testing. Allele origin: germline.
Comment: In summary, the available evidence is currently insufficient to determine the role of this variant in disease. Therefore, it has been classified as a Variant of Uncertain Significance. Algorithms developed to predict the effect of sequence changes on RNA splicing suggest that this variant may disrupt the consensus splice site. An algorithm developed to predict the effect of missense changes on protein structure and function (PolyPhen-2) suggests that this variant is likely to be tolerated. ClinVar contains an entry for this variant (Variation ID: 2194220). This variant has not been reported in the literature in individuals affected with EMC1-related conditions. This variant is not present in population databases (gnomAD no frequency). This sequence change replaces aspartic acid, which is acidic and polar, with glycine, which is neutral and non-polar, at codon 350 of the EMC1 protein (p.Asp350Gly).